The following is an entry in ClinVar:

NM_004360.5(CDH1):c.1668GAA[1] (p.Lys557del)

Gene: CDH1 (cadherin 1; plus strand). Cytogenetic location: 16q22.1.
Variant type: Microsatellite.
Coding change: c.1668GAA[1] on transcript NM_004360.5 (MANE Select); one copy of the 3-base unit GAA starting at c.1668; the reference has two copies in a row; one copy, 3 bases deleted.
Protein change: p.Lys557del; deletes lysine 557.
Molecular consequence: inframe indel (on NM_004360.3). On other transcripts: intron variant (1).
Genome position (GRCh38, 1-based): chr16:68,819,385-68,819,387, GAA deleted; deleting any 3 consecutive bases within chr16:68,819,382-68,819,387 gives the same sequence; the position shown is the placement nearest the transcript's 3' end. VCF-style (leftmost placement, unchanged base first): chr16-68819381-TGAA-T. GRCh37 (hg19) VCF-style: chr16-68853284-TGAA-T.
Other names: c.1485GAA[1], p.Lys496del (NM_001317184.2); c.120GAA[1], p.Lys41del (NM_001317185.2); c.1668_1670GAA[1], p.Lys557del (NM_004360.3); c.-254-2616_-254-2614del (NM_001317186.2); c.1671_1673delGAA (NM_004360.3); short protein forms K557del, K41del, K496del.
Identifiers: ClinVar variation 5033872 (VCV005033872.1).
Genomic context (GRCh38, chr16:68,819,381, plus strand): 5'-ATCCGGACACTGGTGCCATTTCCACTCGGGCTGAGCTGGACAGGGAGGATTTTGAGCACG[TGAA>T]GAACAGCACGTACACAGCCCTAATCATAGCTACAGACAATGGTAAGGGGGCCTCATCTGA-3'

ClinVar aggregate classification (germline): Uncertain significance (1 of 4 stars; one submission).

Conditions:
Hereditary cancer-predisposing syndrome. Also called: Neoplastic Syndromes, Hereditary; Tumor predisposition; Hereditary neoplastic syndrome; Hereditary Cancer Syndrome. Identifiers: Orphanet 140162, MedGen C0027672, MeSH D009386, MONDO:0015356.

Submission:

Ambry Genetics
Classification: Uncertain significance for Hereditary cancer-predisposing syndrome. Last evaluated: 2026-06-23. Review status: criteria provided, single submitter. Criteria: Ambry Variant Classification Scheme 2023. Collection method: clinical testing. Allele origin: germline.
Comment: The c.1671_1673delGAA variant (also known as p.K557del) is located in coding exon 11 of the CDH1 gene. This variant results from an in-frame GAA deletion at nucleotide positions 1671 to 1673. This results in the in-frame deletion of a lysine at codon 557. This amino acid position is not well conserved in available vertebrate species. In addition, this variant is predicted to be deleterious by in silico analysis (Choi Y et al. PLoS ONE. 2012; 7(10):e46688). Since supporting evidence is limited at this time, the clinical significance of this alteration remains unclear.